The following is an entry in ClinVar:

ClinVar aggregate classification (germline): Uncertain significance (1 of 4 stars; one submission).

Submission:

CeGaT Center for Human Genetics Tuebingen
Classification: Uncertain significance. Last evaluated: 2024-10-01. Review status: criteria provided, single submitter. Criteria: CeGaT Center For Human Genetics Tuebingen Variant Classification Criteria Version 2. Collection method: clinical testing. Allele origin: germline. Affected: yes. Observed: 1 variant allele.
Comment: NEXMIF: PM2, BP4

NM_001008537.3(NEXMIF):c.2777A>G (p.Asn926Ser)

Gene: NEXMIF (neurite extension and migration factor; minus strand). Cytogenetic location: Xq13.3.
Variant type: single nucleotide variant.
Coding change: c.2777A>G on transcript NM_001008537.3 (MANE Select); coding-DNA position 2777, A replaced by G.
Protein change: p.Asn926Ser; replaces asparagine 926 with serine.
Molecular consequence: missense variant.
Genome position (GRCh38, 1-based): chrX:74,741,780, T>C on the plus strand (A>G on the coding strand, the complement: NEXMIF is on the minus strand). VCF-style: chrX-74741780-T-C. GRCh37 (hg19) VCF-style: chrX-73961615-T-C.
Other names: short protein forms N926S.
Identifiers: ClinVar variation 3389796 (VCV003389796.14).